The following is an entry in ClinVar:

ClinVar aggregate classification (germline): Uncertain significance (1 of 4 stars; one submission).

Conditions:
Hereditary cancer-predisposing syndrome. Also called: Neoplastic Syndromes, Hereditary; Tumor predisposition; Hereditary Cancer Syndrome; Hereditary neoplastic syndrome. Identifiers: Orphanet 140162, MedGen C0027672, MeSH D009386, MONDO:0015356.

Allele frequency attached by ClinVar (database versions not stated): ExAC 0.00001.
gnomAD v4.1: 3 of 1,613,966 alleles (0.00019%); highest among the groups gnomAD compares: Non-Finnish European, 0.00017%; no homozygotes.

Submission:

Ambry Genetics
Classification: Uncertain significance for Hereditary cancer-predisposing syndrome. Last evaluated: 2020-11-13. Review status: criteria provided, single submitter. Criteria: Ambry Variant Classification Scheme 2023. Collection method: clinical testing. Allele origin: germline.
Comment: The c.1966-5T>C intronic variant results from a T to C substitution 5 nucleotides upstream from coding exon 7 in the MET gene. This nucleotide position is well conserved in available vertebrate species. In silico splice site analysis predicts that this alteration will not have any significant effect on splicing. Since supporting evidence is limited at this time, the clinical significance of this alteration remains unclear.

NM_000245.4(MET):c.1966-5T>C

Gene: MET (MET proto-oncogene, receptor tyrosine kinase; plus strand). Cytogenetic location: 7q31.2.
Variant type: single nucleotide variant.
Coding change: c.1966-5T>C on transcript NM_000245.4 (MANE Select); 5 bases into the intron before coding-DNA position 1966, T replaced by C.
Molecular consequence: intron variant.
Genome position (GRCh38, 1-based): chr7:116,757,633, T>C. VCF-style: chr7-116757633-T-C. GRCh37 (hg19) VCF-style: chr7-116397687-T-C.
Other names: c.1966-5T>C (NM_001127500.3, NM_001324401.3); c.676-5T>C (NM_001324402.2).
Identifiers: ClinVar variation 1783519 (VCV001783519.2), dbSNP rs760664725, ClinGen allele CA4448348.